The following is an entry in ClinVar:

NM_175914.5(HNF4A):c.101T>A (p.Val34Asp)

Gene: HNF4A (hepatocyte nuclear factor 4 alpha; plus strand). Cytogenetic location: 20q13.12.
Variant type: single nucleotide variant.
Coding change: c.101T>A on transcript NM_175914.5 (MANE Select); coding-DNA position 101, T replaced by A.
Protein change: p.Val34Asp; replaces valine 34 with aspartic acid.
Molecular consequence: missense variant.
Genome position (GRCh38, 1-based): chr20:44,406,109, T>A. VCF-style: chr20-44406109-T-A. GRCh37 (hg19) VCF-style: chr20-43034749-T-A.
Other names: NM_175914.5:c.101T>A; c.167T>A, p.Val56Asp (NM_000457.6, NM_178849.3, NM_178850.3); c.101T>A, p.Val34Asp (NM_001030003.3, NM_001030004.3); c.146T>A, p.Val49Asp (NM_001258355.2); c.92T>A, p.Val31Asp (NM_001287182.2, NM_001287183.2, NM_001287184.2); short protein forms V34D, V49D, V56D, V31D.
Identifiers: ClinVar variation 930005 (VCV000930005.8), dbSNP rs2063496235, ClinGen allele CA409103758.
Genomic context (GRCh38, chr20:44,406,109, plus strand): 5'-CTGGCGCAGACACGTCCCCATCAGAAGGCACCAACCTCAACGCGCCCAACAGCCTGGGTG[T>A]CAGCGCCCTGTGTGCCATCTGCGGGGACCGGGCCACGGGCAAACACTACGGTGCCTCGAG-3'
Protein context (NP_787110.2, residues 24-44): TNLNAPNSLG[Val34Asp]SALCAICGDR

ClinVar aggregate classification (germline): Uncertain significance. Review status: reviewed by expert panel (3 of 4 stars). 4 submissions from 4 submitters: Uncertain significance (1). 3 of the submissions do not count toward it. Last evaluated 2026-10-26.

Conditions:
Maturity-onset diabetes of the young (MODY). Also called: Maturity onset diabetes mellitus in young. Identifiers: Orphanet 552, MedGen C0342276, MONDO:0018911, HP:0004904.
Monogenic diabetes. Identifiers: Orphanet 183625, MedGen C3888631, MONDO:0015967.

Submissions (4):

ClinGen Monogenic Diabetes Variant Curation Expert Panel
Classification: Uncertain significance for Monogenic diabetes. Last evaluated: 2026-10-26. Review status: reviewed by expert panel. Criteria: ClinGen Diabetes ACMG Specifications HNF4A V4.0.0. Collection method: curation. Allele origin: germline. Inheritance: Autosomal dominant inheritance.
Comment: The c.101T>A variant in the hepatocyte nuclear factor 4 alpha gene, HNF4A, causes an amino acid change of valine to aspartic acid at codon 34 (p.(Val34Asp)) of NM_175914.5. This variant is absent from gnomAD v4.1.2 (PM2_Supporting). This variant is located within the DNA binding (codons 37-113) of HNF4A, which is defined as critical for the protein’s function by the ClinGen MDEP (PM1_Supporting). This variant has a REVEL score of 0.46, which is between the ClinGen MDEP thresholds for BP4 and PP3, predicting neither a damaging nor benign impact on HNF4A function. In summary, c.101T>A meets the criteria to be classified as VUS for monogenic diabetes. ACMG/AMP criteria applied, as specified by the ClinGen MDEP (specification version 4.0, approved 10/10/2025): PM1_supporting, PM2_supporting.

Laboratory for Molecular Medicine, Mass General Brigham Personalized Medicine
Classification: Uncertain significance. Last evaluated: 2019-04-25. Review status: criteria provided, single submitter. Criteria: LMM Criteria. Collection method: clinical testing. Allele origin: germline. Observed: 1 variant allele. Not counted in ClinVar's aggregate classification.
Comment: The p.Val49Asp variant in HNF4A has not been previously reported in individuals with MODY and was absent from large population studies. Computational prediction tools and conservation analysis suggest that this variant may not impact the protein, though this information is not predictive enough to rule out pathogenicity. In summary, the clinical significance of this variant is uncertain. ACMG/AMP Criteria applied: PM2, BP4.

Ambry Genetics
Classification: Uncertain significance for Maturity-onset diabetes of the young. Last evaluated: 2019-03-02. Review status: criteria provided, single submitter. Criteria: Ambry Variant Classification Scheme 2023. Collection method: clinical testing. Allele origin: germline. Not counted in ClinVar's aggregate classification.
Comment: The p.V34D variant (also known as c.101T>A), located in coding exon 2 of the HNF4A gene, results from a T to A substitution at nucleotide position 101. The valine at codon 34 is replaced by aspartic acid, an amino acid with highly dissimilar properties. This amino acid position is not well conserved in available vertebrate species. In addition, the in silico prediction for this alteration is inconclusive. Since supporting evidence is limited at this time, the clinical significance of this alteration remains unclear.

Clinical Genomics, Uppaluri K&H Personalized Medicine Clinic
Classification: Uncertain risk allele for Maturity-onset diabetes of the young. Review status: criteria provided, single submitter. Criteria: K & H Uppaluri Personalized Medicine Clinic Variant Classification & Assertion Criteria_Updated V.1. Collection method: research. Allele origin: unknown. Inheritance: Autosomal dominant inheritance. Not counted in ClinVar's aggregate classification.
Comment: Potent mutations in HNF4A are associated with poor insulin secretion in response to hyperglycemia. Associated with MODY1. Patients initially respond well to sulfonylureas but eventually become insulin dependent. However, more evidence is required to ascertain the role of this particular variant rs2063496235 in MODY, yet.

Literature cited by the submitters: DOI 10.1159/000334532 (cited by Clinical Genomics, Uppaluri K&H Personalized Medicine Clinic); PubMed 18268044 (cited by Clinical Genomics, Uppaluri K&H Personalized Medicine Clinic); PubMed 17563455 (cited by Clinical Genomics, Uppaluri K&H Personalized Medicine Clinic); PubMed 32583173 (cited by Clinical Genomics, Uppaluri K&H Personalized Medicine Clinic); PubMed 35052457 (cited by Clinical Genomics, Uppaluri K&H Personalized Medicine Clinic); PubMed 35118593 (cited by Clinical Genomics, Uppaluri K&H Personalized Medicine Clinic).